The following is an entry in ClinVar:

NM_000264.5(PTCH1):c.2703+2T>C

Gene: PTCH1 (patched 1; minus strand). Cytogenetic location: 9q22.32.
Variant type: single nucleotide variant.
Coding change: c.2703+2T>C on transcript NM_000264.5 (MANE Select); the canonical splice donor site of the intron after coding-DNA position 2703, T replaced by C.
Molecular consequence: splice donor variant.
Genome position (GRCh38, 1-based): chr9:95,461,854, A>G on the plus strand (T>C on the coding strand, the complement: PTCH1 is on the minus strand). VCF-style: chr9-95461854-A-G. GRCh37 (hg19) VCF-style: chr9-98224136-A-G.
Other names: c.2700+2T>C (NM_001083603.3); c.2505+2T>C (NM_001083602.3); c.2547+2T>C (NM_001354918.2); c.2250+2T>C (NM_001083605.3, NM_001083604.3, NM_001083606.3 and 1 more transcripts).
Identifiers: ClinVar variation 4724667 (VCV004724667.1).

ClinVar aggregate classification (germline): Likely pathogenic (1 of 4 stars; one submission).

Conditions:
Gorlin syndrome. Also called: Basal cell nevus syndrome; Nevoid Basal Cell Carcinoma Syndrome. Identifiers: Orphanet 377, MedGen C0004779, MONDO:0007187.

Submission:

Labcorp Genetics (formerly Invitae), Labcorp
Classification: Likely pathogenic for Gorlin syndrome. Last evaluated: 2025-08-03. Review status: criteria provided, single submitter. Criteria: Invitae Variant Classification Sherloc (09022015). Collection method: clinical testing. Allele origin: germline.
Comment: This sequence change affects a donor splice site in intron 16 of the PTCH1 gene. It is expected to disrupt RNA splicing. Variants that disrupt the donor or acceptor splice site typically lead to a loss of protein function (PMID: 16199547), and loss-of-function variants in PTCH1 are known to be pathogenic (PMID: 16301862, 16419085). This variant is not present in population databases (gnomAD no frequency). This variant has not been reported in the literature in individuals affected with PTCH1-related conditions. Algorithms developed to predict the effect of sequence changes on RNA splicing suggest that this variant may disrupt the consensus splice site. In summary, the currently available evidence indicates that the variant is pathogenic, but additional data are needed to prove that conclusively. Therefore, this variant has been classified as Likely Pathogenic.

Literature cited by the submitters: PubMed 16199547; PubMed 16301862; PubMed 16419085.